The following is an entry in ClinVar:

ClinVar aggregate classification (germline): Pathogenic (1 of 4 stars; one submission).

Conditions:
Neurofibromatosis, type 1 (NF1). Also called: VON RECKLINGHAUSEN DISEASE; Peripheral type neurofibromatosis; NEUROFIBROMATOSIS, TYPE I, SOMATIC; Neurofibromatosis, type I. Identifiers: Orphanet 636, MedGen C0027831, MONDO:0018975, OMIM 162200. Disease mechanism: loss of function.

Submission:

Labcorp Genetics (formerly Invitae), Labcorp
Classification: Pathogenic for Neurofibromatosis, type 1. Last evaluated: 2020-01-29. Review status: criteria provided, single submitter. Criteria: Invitae Variant Classification Sherloc (09022015). Collection method: clinical testing. Allele origin: germline.
Comment: For these reasons, this variant has been classified as Pathogenic. Loss-of-function variants in NF1 are known to be pathogenic (PMID: 10712197, 23913538). This variant has not been reported in the literature in individuals with NF1-related conditions. This variant is not present in population databases (ExAC no frequency). This sequence change creates a premature translational stop signal (p.Met1041Ilefs*19) in the NF1 gene. It is expected to result in an absent or disrupted protein product.

Literature cited by the submitters: PubMed 10712197; PubMed 23913538.

NM_001042492.3(NF1):c.3122dup (p.Met1041fs)

Gene: NF1 (neurofibromin 1; plus strand). Cytogenetic location: 17q11.2.
Variant type: Duplication.
Coding change: c.3122dup on transcript NM_001042492.3 (MANE Select); coding-DNA position 3122, one base duplicated (T; older notation c.3122dupT).
Protein change: p.Met1041fs; shifts the reading frame from methionine 1041.
Molecular consequence: frameshift variant.
Genome position (GRCh38, 1-based): chr17:31,230,850, T duplicated. VCF-style (leftmost placement, unchanged base first): chr17-31230849-A-AT. GRCh37 (hg19) VCF-style: chr17-29557867-A-AT.
Other names: c.3122dup, p.Met1041Ilefs (NM_000267.4); short protein forms M1041fs.
Identifiers: ClinVar variation 1068930 (VCV001068930.5), dbSNP rs2151432363, ClinGen allele CA2499224087.